The following is an entry in ClinVar:

ClinVar aggregate classification (germline): Conflicting classifications of pathogenicity. Review status: criteria provided, conflicting classifications (1 of 4 stars). 3 submissions from 3 submitters: Uncertain significance (2); Likely benign (1). Last evaluated 2025-11-08.

Conditions:
Aortic aneurysm, familial thoracic 7 (AAT7). Also called: AORTIC DISSECTION, FAMILIAL, WITH OR WITHOUT AORTIC ANEURYSM. Identifiers: MedGen C3151077, MONDO:0013418, OMIM 613780.

Allele frequency attached by ClinVar (database versions not stated): gnomAD exomes 0.00002 and 0.00005; TOPMed 0.00002; ExAC 0.00006.

Submissions (3):

Labcorp Genetics (formerly Invitae), Labcorp
Classification: Uncertain significance for Aortic aneurysm, familial thoracic 7. Last evaluated: 2025-11-08. Review status: criteria provided, single submitter. Criteria: Invitae Variant Classification Sherloc (09022015). Collection method: clinical testing. Allele origin: germline.
Comment: This sequence change replaces arginine, which is basic and polar, with tryptophan, which is neutral and slightly polar, at codon 55 of the MYLK protein (p.Arg55Trp). This variant is present in population databases (rs374679897, gnomAD 0.01%). This variant has not been reported in the literature in individuals affected with MYLK-related conditions. ClinVar contains an entry for this variant (Variation ID: 1192074). An algorithm developed to predict the effect of missense changes on protein structure and function (PolyPhen-2) suggests that this variant is likely to be disruptive. Algorithms developed to predict the effect of sequence changes on RNA splicing suggest that this variant may disrupt the consensus splice site. In summary, the available evidence is currently insufficient to determine the role of this variant in disease. Therefore, it has been classified as a Variant of Uncertain Significance.

GeneDx
Classification: Uncertain significance. Last evaluated: 2024-03-26. Review status: criteria provided, single submitter. Criteria: GeneDx Variant Classification Process June 2021. Collection method: clinical testing. Allele origin: germline. Affected: yes.
Comment: Has not been previously published as pathogenic or benign to our knowledge; In silico analysis supports that this missense variant has a deleterious effect on protein structure/function; In silico analysis supports a deleterious effect on splicing

Blueprint Genetics
Classification: Likely benign. Last evaluated: 2021-12-31. Review status: criteria provided, single submitter. Criteria: ACMG Guidelines, 2015. Collection method: clinical testing. Allele origin: germline.

NM_053025.4(MYLK):c.163C>T (p.Arg55Trp)

Genes: MYLK (myosin light chain kinase; minus strand), LOC126806792 (CDK7 strongly-dependent group 2 enhancer GRCh37_chr3:123511339-123512538; plus strand). Cytogenetic location: 3q21.1.
Variant type: single nucleotide variant.
Coding change: c.163C>T on transcript NM_053025.4 (MANE Select); coding-DNA position 163, C replaced by T.
Protein change: p.Arg55Trp; replaces arginine 55 with tryptophan.
Molecular consequence: missense variant. On other transcripts: 5 prime UTR variant (1).
Genome position (GRCh38, 1-based): chr3:123,793,679, G>A on the plus strand (C>T on the coding strand, the complement: MYLK is on the minus strand). VCF-style: chr3-123793679-G-A. GRCh37 (hg19) VCF-style: chr3-123512526-G-A.
Other names: c.-158C>T (NM_001321309.2); c.163C>T, p.Arg55Trp (NM_053026.4, NM_053027.4, NM_053028.4); short protein forms R55W.
Identifiers: ClinVar variation 1192074 (VCV001192074.7), dbSNP rs374679897, ClinGen allele CA067639.